The following is an entry in ClinVar:

ClinVar aggregate classification (germline): Pathogenic/Likely pathogenic. Review status: criteria provided, multiple submitters, no conflicts (2 of 4 stars). 3 submissions from 3 submitters: Pathogenic (1); Likely pathogenic (2). Last evaluated 2024-03-07.

Conditions:
ALG6-congenital disorder of glycosylation 1C (CDG1C). Also called: Congenital disorder of glycosylation, type Ic; CARBOHYDRATE-DEFICIENT GLYCOPROTEIN SYNDROME, TYPE I, WITH DEFICIENT GLYCOSYLATION OF DOLICHOL-LINKED OLIGOSACCHARIDE; CARBOHYDRATE-DEFICIENT GLYCOPROTEIN SYNDROME, TYPE V; Congenital disorder of glycosylation type 1C; CDG Ic. Identifiers: Orphanet 79320, MedGen C2930997, MONDO:0011291, OMIM 603147.

Submissions (3):

Fulgent Genetics
Classification: Likely pathogenic for ALG6-congenital disorder of glycosylation 1C. Last evaluated: 2024-03-07. Review status: criteria provided, single submitter. Criteria: ACMG Guidelines, 2015. Collection method: clinical testing. Allele origin: germline.

Labcorp Genetics (formerly Invitae), Labcorp
Classification: Pathogenic for ALG6-congenital disorder of glycosylation 1C. Last evaluated: 2023-11-14. Review status: criteria provided, single submitter. Criteria: Invitae Variant Classification Sherloc (09022015). Collection method: clinical testing. Allele origin: germline.
Comment: This sequence change creates a premature translational stop signal (p.Phe336Leufs*9) in the ALG6 gene. It is expected to result in an absent or disrupted protein product. Loss-of-function variants in ALG6 are known to be pathogenic (PMID: 19862844). This variant is not present in population databases (gnomAD no frequency). This variant has not been reported in the literature in individuals affected with ALG6-related conditions. ClinVar contains an entry for this variant (Variation ID: 959942). For these reasons, this variant has been classified as Pathogenic.

Baylor Genetics
Classification: Likely pathogenic for ALG6-congenital disorder of glycosylation 1C. Last evaluated: 2021-01-28. Review status: criteria provided, single submitter. Criteria: ACMG Guidelines, 2015. Collection method: clinical testing. Allele origin: unknown.

Literature cited by the submitters: PubMed 19862844 (cited by Labcorp Genetics (formerly Invitae), Labcorp).

NM_013339.4(ALG6):c.1006_1007del (p.Phe336fs)

Gene: ALG6 (ALG6 alpha-1,3-glucosyltransferase; plus strand). Cytogenetic location: 1p31.3.
Variant type: Deletion.
Coding change: c.1006_1007del on transcript NM_013339.4 (MANE Select); coding-DNA positions 1006 to 1007, 2 bases deleted (TT; older notation c.1006_1007delTT).
Protein change: p.Phe336fs; shifts the reading frame from phenylalanine 336.
Molecular consequence: frameshift variant.
Genome position (GRCh38, 1-based): chr1:63,419,388-63,419,389, TT deleted. VCF-style (leftmost placement, unchanged base first): chr1-63419387-ATT-A. GRCh37 (hg19) VCF-style: chr1-63885058-ATT-A.
Other names: short protein forms F336fs.
Identifiers: ClinVar variation 959942 (VCV000959942.9), dbSNP rs1644562014, ClinGen allele CA1139656158.
Genomic context (GRCh38, chr1:63,419,387, plus strand): 5'-TCACAAGTTGTTATATCTCATTTCCCCCCCTTTTTTCTTAAAGGTTAGCTGTGCGCTATC[ATT>A]CTTTTTATTTTCTTTCCAAGTACATGAAAAATCCATTCTCTTGGTGTCACTGTAAGTAGA-3'